The following is an entry in ClinVar:

NM_000030.3(AGXT):c.106C>G (p.Arg36Gly)

Gene: AGXT (alanine--glyoxylate aminotransferase; plus strand). Cytogenetic location: 2q37.3.
Variant type: single nucleotide variant.
Coding change: c.106C>G on transcript NM_000030.3 (MANE Select); coding-DNA position 106, C replaced by G.
Protein change: p.Arg36Gly; replaces arginine 36 with glycine.
Molecular consequence: missense variant.
Genome position (GRCh38, 1-based): chr2:240,868,971, C>G. VCF-style: chr2-240868971-C-G. GRCh37 (hg19) VCF-style: chr2-241808388-C-G.
Other names: short protein forms R36G.
Identifiers: ClinVar variation 1919327 (VCV001919327.5), dbSNP rs180177157, ClinGen allele CA351313112.

ClinVar aggregate classification (germline): Likely pathogenic (1 of 4 stars; one submission).

gnomAD v4.1: 1 of 1,609,212 alleles (0.000062%); highest among the groups gnomAD compares: Admixed American, 0.0017%; no homozygotes.

Submission:

Labcorp Genetics (formerly Invitae), Labcorp
Classification: Likely pathogenic. Last evaluated: 2023-12-12. Review status: criteria provided, single submitter. Criteria: Invitae Variant Classification Sherloc (09022015). Collection method: clinical testing. Allele origin: germline.
Comment: This sequence change replaces arginine, which is basic and polar, with glycine, which is neutral and non-polar, at codon 36 of the AGXT protein (p.Arg36Gly). This variant is not present in population databases (gnomAD no frequency). This variant has not been reported in the literature in individuals affected with AGXT-related conditions. ClinVar contains an entry for this variant (Variation ID: 1919327). Advanced modeling of protein sequence and biophysical properties (such as structural, functional, and spatial information, amino acid conservation, physicochemical variation, residue mobility, and thermodynamic stability) performed at Invitae indicates that this missense variant is expected to disrupt AGXT protein function with a positive predictive value of 80%. This variant disrupts the p.Arg36 amino acid residue in AGXT. Other variant(s) that disrupt this residue have been determined to be pathogenic (PMID: 15356974, 17495019, 22923379, 24718375, 24988064). This suggests that this residue is clinically significant, and that variants that disrupt this residue are likely to be disease-causing. In summary, the currently available evidence indicates that the variant is pathogenic, but additional data are needed to prove that conclusively. Therefore, this variant has been classified as Likely Pathogenic.

Literature cited by the submitters: PubMed 15356974; PubMed 17495019; PubMed 22923379; PubMed 24718375; PubMed 24988064.